The following is an entry in ClinVar:

ClinVar aggregate classification (germline): Uncertain significance (1 of 4 stars; one submission).

Conditions:
Long QT syndrome (LQTS). Identifiers: MedGen C0023976, MeSH D008133, MONDO:0002442. Disease mechanism: loss of function. Inheritance: Various modes of inheritance.

Submission:

Labcorp Genetics (formerly Invitae), Labcorp
Classification: Uncertain significance for Long QT syndrome. Last evaluated: 2024-08-30. Review status: criteria provided, single submitter. Criteria: Invitae Variant Classification Sherloc (09022015). Collection method: clinical testing. Allele origin: germline.
Comment: This sequence change replaces serine, which is neutral and polar, with arginine, which is basic and polar, at codon 2089 of the ANK2 protein (p.Ser2089Arg). This variant is not present in population databases (gnomAD no frequency). This variant has not been reported in the literature in individuals affected with ANK2-related conditions. ClinVar contains an entry for this variant (Variation ID: 1000749). An algorithm developed to predict the effect of missense changes on protein structure and function (PolyPhen-2) suggests that this variant is likely to be tolerated. In summary, the available evidence is currently insufficient to determine the role of this variant in disease. Therefore, it has been classified as a Variant of Uncertain Significance.

NM_001148.6(ANK2):c.6267C>A (p.Ser2089Arg)

Genes: ANK2 (ankyrin 2; plus strand), LOC126807136 (MED14-independent group 3 enhancer GRCh37_chr4:114274931-114276130; plus strand). Cytogenetic location: 4q26.
Variant type: single nucleotide variant.
Coding change: c.6267C>A on transcript NM_001148.6 (MANE Select); coding-DNA position 6267, C replaced by A.
Protein change: p.Ser2089Arg; replaces serine 2089 with arginine.
Molecular consequence: missense variant. On other transcripts: intron variant (68).
Genome position (GRCh38, 1-based): chr4:113,354,885, C>A. VCF-style: chr4-113354885-C-A. GRCh37 (hg19) VCF-style: chr4-114276041-C-A.
Other names: c.6033C>A, p.Ser2011Arg (NM_001386142.1); c.2667C>A, p.Ser889Arg (NM_001386166.1); c.6408C>A, p.Ser2136Arg (NM_001386174.1); c.6384C>A, p.Ser2128Arg (NM_001386175.1); c.4411+4636C>A (NM_001386186.2, NM_001386148.2); c.4213+4636C>A (NM_001354269.3); c.4291+4636C>A (NM_001386187.2); c.4252+4636C>A (NM_001386147.1); and 35 more; short protein forms S2011R, S2089R, S2128R, S2136R, S889R.
Identifiers: ClinVar variation 1000749 (VCV001000749.5), dbSNP rs2095651333, ClinGen allele CA357922801.
Genomic context (GRCh38, chr4:113,354,885, plus strand): 5'-TGTTTCCTCCATAGGAGTTAAGAAAGAAGATGCAGCTGGAGGAAAGGAGAAAGTTCTCAG[C>A]CACAAAATACCTGAACCTGTTCAGTCAGTGCCTGAAGAAGAAAGCCACAGAGAGAGCGAA-3'
Protein context (NP_001139.3, residues 2079-2099): DAAGGKEKVL[Ser2089Arg]HKIPEPVQSV